The following is an entry in ClinVar:

NM_001134407.3(GRIN2A):c.2461T>G (p.Phe821Val)

Gene: GRIN2A (glutamate ionotropic receptor NMDA type subunit 2A; minus strand). Cytogenetic location: 16p13.2.
Variant type: single nucleotide variant.
Coding change: c.2461T>G on transcript NM_001134407.3 (MANE Select); coding-DNA position 2461, T replaced by G.
Protein change: p.Phe821Val; replaces phenylalanine 821 with valine.
Molecular consequence: missense variant.
Genome position (GRCh38, 1-based): chr16:9,768,985, A>C on the plus strand (T>G on the coding strand, the complement: GRIN2A is on the minus strand). VCF-style: chr16-9768985-A-C. GRCh37 (hg19) VCF-style: chr16-9862842-A-C.
Other names: c.2461T>G, p.Phe821Val (NM_000833.5, NM_001134408.2); short protein forms F821V.
Identifiers: ClinVar variation 3371131 (VCV003371131.1).
Genomic context (GRCh38, chr16:9,768,985, plus strand): 5'-AGAGGTGCTCCCAGATGAAGGTGATGAGGCTAAGGGCCATGGCGGCAGCCAGCATGTAGA[A>C]TACGCCCGCCATGTTGTCAATGTCCAGCTGGCTGCTCATCACCTCGTTCTTCTCGTTGTG-3'
Protein context (NP_001127879.1, residues 811-831): QLDIDNMAGV[Phe821Val]YMLAAAMALS

ClinVar aggregate classification (germline): Uncertain significance (1 of 4 stars; one submission).

Submission:

GeneDx
Classification: Uncertain significance. Last evaluated: 2024-03-21. Review status: criteria provided, single submitter. Criteria: GeneDx Variant Classification Process June 2021. Collection method: clinical testing. Allele origin: germline. Affected: yes.
Comment: Not observed at significant frequency in large population cohorts (gnomAD); In silico analysis supports that this missense variant has a deleterious effect on protein structure/function; Has not been previously published as pathogenic or benign to our knowledge; This variant is associated with the following publications: (PMID: 27839871)